The following is an entry in ClinVar:

NM_001267550.2(TTN):c.67635T>C (p.Val22545=)

Genes: TTN (titin; minus strand), TTN-AS1 (TTN antisense RNA 1; plus strand), LOC126806423 (CDK7 strongly-dependent group 2 enhancer GRCh37_chr2:179443309-179444508; plus strand). Cytogenetic location: 2q31.2.
Variant type: single nucleotide variant.
Coding change: c.67635T>C on transcript NM_001267550.2 (MANE Select); coding-DNA position 67635, T replaced by C.
Protein change: p.Val22545=; no amino-acid change (valine 22545 retained).
Molecular consequence: synonymous variant.
Genome position (GRCh38, 1-based): chr2:178,579,562, A>G on the plus strand (T>C on the coding strand, the complement: TTN is on the minus strand). VCF-style: chr2-178579562-A-G. GRCh37 (hg19) VCF-style: chr2-179444289-A-G.
Other names: p.V19977V:GTT>GTC; p.Val19977=; c.62712T>C, p.Val20904= (NM_001256850.1); c.40440T>C, p.Val13480= (NM_003319.4); c.59931T>C, p.Val19977= (NM_133378.4); c.40815T>C, p.Val13605= (NM_133432.3); c.41016T>C, p.Val13672= (NM_133437.4).
Identifiers: ClinVar variation 47255 (VCV000047255.40), dbSNP rs2288570, ClinGen allele CA283651.

ClinVar aggregate classification (germline): Benign/Likely benign. Review status: criteria provided, multiple submitters, no conflicts (2 of 4 stars). 25 submissions from 18 submitters: Benign (18); Likely benign (2). 5 of the submissions do not count toward it. Last evaluated 2026-02-04.

Conditions:
Cardiovascular phenotype. Identifiers: MedGen CN230736.
Dilated cardiomyopathy 1G (CMD1G). Identifiers: Orphanet 154, MedGen C1858763, MONDO:0011400, OMIM 604145.
Autosomal recessive limb-girdle muscular dystrophy type 2J (LGMDR10). Also called: MUSCULAR DYSTROPHY, LIMB-GIRDLE, AUTOSOMAL RECESSIVE 10; Limb-girdle muscular dystrophy, type 2J. Identifiers: Orphanet 140922, MedGen C1837342, MONDO:0012127, OMIM 608807.
Early-onset myopathy with fatal cardiomyopathy (CMYO5). Also called: CONGENITAL MYOPATHY 5 WITH CARDIOMYOPATHY; Salih Myopathy. Identifiers: Orphanet 289377, MedGen C2673677, MONDO:0012714, OMIM 611705. Disease mechanism: loss of function.
Myopathy, myofibrillar, 9, with early respiratory failure (MFM9). Also called: Myopathy, distal, with early respiratory failure, autosomal dominant; Hereditary myopathy with early respiratory failure; MYOPATHY, PROXIMAL, WITH EARLY RESPIRATORY MUSCLE INVOLVEMENT; EDSTROM MYOPATHY. Identifiers: Orphanet 178464, Orphanet 34521, MedGen C1863599, MONDO:0011362, OMIM 603689.
Tibial muscular dystrophy (TMD). Also called: Udd Distal Myopathy – Tibial Muscular Dystrophy; Tibial muscular dystrophy, tardive; UDD MYOPATHY. Identifiers: Orphanet 609, MedGen C1838244, MONDO:0010870, OMIM 600334.

Allele frequency attached by ClinVar (database versions not stated): gnomAD 0.02199 and 0.02106; gnomAD exomes 0.02986 and 0.02547; ESP Exome Variant Server 0.01728; 1000 Genomes Project 30x 0.02670; TOPMed 0.01962; 1000 Genomes Project 0.02835; ExAC 0.03055.
gnomAD v4.1: 40,516 of 1,612,998 alleles (2.5%); highest among the groups gnomAD compares: East Asian, 6.3%; 632 homozygotes.

Submissions (25):

Labcorp Genetics (formerly Invitae), Labcorp
Classification: Benign for Dilated cardiomyopathy 1G; Autosomal recessive limb-girdle muscular dystrophy type 2J. Last evaluated: 2026-02-04. Review status: criteria provided, single submitter. Criteria: Invitae Variant Classification Sherloc (09022015). Collection method: clinical testing. Allele origin: germline.

Molecular Diagnostic Laboratory for Inherited Cardiovascular Disease, Montreal Heart Institute
Classification: Benign. Last evaluated: 2025-04-09. Review status: criteria provided, single submitter. Criteria: ACMG Guidelines, 2015. Collection method: clinical testing. Allele origin: germline. Affected: no.

Genome-Nilou Lab
Classification: Benign for Autosomal recessive limb-girdle muscular dystrophy type 2J. Last evaluated: 2021-09-10. Review status: criteria provided, single submitter. Criteria: ACMG Guidelines, 2015. Collection method: clinical testing. Allele origin: germline. Affected: no.

Genome-Nilou Lab
Classification: Benign for Myopathy, myofibrillar, 9, with early respiratory failure. Last evaluated: 2021-09-10. Review status: criteria provided, single submitter. Criteria: ACMG Guidelines, 2015. Collection method: clinical testing. Allele origin: germline. Affected: no.

Genome-Nilou Lab
Classification: Benign for Early-onset myopathy with fatal cardiomyopathy. Last evaluated: 2021-09-10. Review status: criteria provided, single submitter. Criteria: ACMG Guidelines, 2015. Collection method: clinical testing. Allele origin: germline. Affected: no.

Genome-Nilou Lab
Classification: Benign for Tibial muscular dystrophy. Last evaluated: 2021-09-10. Review status: criteria provided, single submitter. Criteria: ACMG Guidelines, 2015. Collection method: clinical testing. Allele origin: germline. Affected: no.

Women's Health and Genetics/Laboratory Corporation of America, LabCorp
Classification: Benign. Last evaluated: 2020-01-06. Review status: criteria provided, single submitter. Criteria: LabCorp Variant Classification Summary - May 2015. Collection method: clinical testing. Allele origin: germline.

Athena Diagnostics
Classification: Benign. Last evaluated: 2018-12-18. Review status: criteria provided, single submitter. Criteria: Athena Diagnostics Criteria. Collection method: clinical testing. Allele origin: germline.

Illumina Laboratory Services, Illumina
Classification: Benign for Early-onset myopathy with fatal cardiomyopathy. Last evaluated: 2018-01-13. Review status: criteria provided, single submitter. Criteria: ICSL Variant Classification Criteria 13 December 2019. Collection method: clinical testing. Allele origin: germline.
Comment: This variant was observed in the ICSL laboratory as part of a predisposition screen in an ostensibly healthy population. It had not been previously curated by ICSL or reported in the Human Gene Mutation Database (HGMD: prior to June 1st, 2018), and was therefore a candidate for classification through an automated scoring system. Utilizing variant allele frequency, disease prevalence and penetrance estimates, and inheritance mode, an automated score was calculated to assess if this variant is too frequent to cause the disease. Based on the score and internal cut-off values, a variant classified as benign is not then subjected to further curation. The score for this variant resulted in a classification of benign for this disease.

Illumina Laboratory Services, Illumina
Classification: Benign for Autosomal recessive limb-girdle muscular dystrophy type 2J. Last evaluated: 2018-01-13. Review status: criteria provided, single submitter. Criteria: ICSL Variant Classification Criteria 13 December 2019. Collection method: clinical testing. Allele origin: germline.
Comment: the same text as in the submission from Illumina Laboratory Services, Illumina above.

Illumina Laboratory Services, Illumina
Classification: Benign for Myopathy, myofibrillar, 9, with early respiratory failure. Last evaluated: 2018-01-13. Review status: criteria provided, single submitter. Criteria: ICSL Variant Classification Criteria 13 December 2019. Collection method: clinical testing. Allele origin: germline.
Comment: the same text as in the submission from Illumina Laboratory Services, Illumina above.

Illumina Laboratory Services, Illumina
Classification: Benign for Tibial muscular dystrophy. Last evaluated: 2018-01-13. Review status: criteria provided, single submitter. Criteria: ICSL Variant Classification Criteria 13 December 2019. Collection method: clinical testing. Allele origin: germline.
Comment: the same text as in the submission from Illumina Laboratory Services, Illumina above.

Illumina Laboratory Services, Illumina
Classification: Likely benign for Dilated cardiomyopathy 1G. Last evaluated: 2018-01-13. Review status: criteria provided, single submitter. Criteria: ICSL Variant Classification Criteria 13 December 2019. Collection method: clinical testing. Allele origin: germline.
Comment: This variant was observed in the ICSL laboratory as part of a predisposition screen in an ostensibly healthy population. It had not been previously curated by ICSL or reported in the Human Gene Mutation Database (HGMD: prior to June 1st, 2018), and was therefore a candidate for classification through an automated scoring system. Utilizing variant allele frequency, disease prevalence and penetrance estimates, and inheritance mode, an automated score was calculated to assess if this variant is too frequent to cause the disease. Based on the score and internal cut-off values, a variant classified as likely benign is not then subjected to further curation. The score for this variant resulted in a classification of likely benign for this disease.

Mayo Clinic Laboratories, Mayo Clinic
Classification: Benign. Last evaluated: 2017-10-03. Review status: criteria provided, single submitter. Criteria: ACMG Guidelines, 2015. Collection method: clinical testing. Allele origin: germline. Observed: 105 variant alleles.

Genetic Services Laboratory, University of Chicago
Classification: Benign for AllHighlyPenetrant. Last evaluated: 2013-08-15. Review status: criteria provided, single submitter. Criteria: ACMG Guidelines, 2007. Collection method: clinical testing. Allele origin: germline.

GeneDx
Classification: Benign. Last evaluated: 2013-04-29. Review status: criteria provided, single submitter. Criteria: GeneDx Variant Classification (06012015). Collection method: clinical testing. Allele origin: germline. Affected: yes.
Comment: This variant is considered likely benign or benign based on one or more of the following criteria: it is a conservative change, it occurs at a poorly conserved position in the protein, it is predicted to be benign by multiple in silico algorithms, and/or has population frequency not consistent with disease.

Ambry Genetics
Classification: Benign for Cardiovascular phenotype. Last evaluated: 2013-03-06. Review status: criteria provided, single submitter. Criteria: Ambry Autosomal Dominant and X-Linked criteria (10/2015). Collection method: clinical testing. Allele origin: germline. Observed: 1 variant allele.

Laboratory for Molecular Medicine, Mass General Brigham Personalized Medicine
Classification: Benign. Last evaluated: 2012-04-19. Review status: criteria provided, single submitter. Criteria: LMM Criteria. Collection method: clinical testing. Allele origin: germline. Observed: 75 variant alleles.

Breakthrough Genomics
Classification: Likely benign. Review status: criteria provided, single submitter. Criteria: ACMG Guidelines, 2015. Collection method: not provided. Allele origin: germline. Inheritance: Autosomal recessive inheritance. Affected: yes.

PreventionGenetics, part of Exact Sciences
Classification: Benign. Review status: criteria provided, single submitter. Criteria: ACMG Guidelines, 2015. Collection method: clinical testing. Allele origin: germline.

Clinical Genetics DNA and cytogenetics Diagnostics Lab, Erasmus MC, Erasmus Medical Center
Classification: Benign. Review status: no assertion criteria provided. Collection method: clinical testing. Allele origin: germline. Affected: yes. Study: VKGL Data-share Consensus. Not counted in ClinVar's aggregate classification.

Clinical Genetics, Academic Medical Center
Classification: Benign. Review status: no assertion criteria provided. Collection method: clinical testing. Allele origin: germline. Affected: yes. Study: VKGL Data-share Consensus. Not counted in ClinVar's aggregate classification.

Diagnostic Laboratory, Department of Genetics, University Medical Center Groningen
Classification: Benign. Review status: no assertion criteria provided. Collection method: clinical testing. Allele origin: germline. Affected: yes. Study: VKGL Data-share Consensus. Not counted in ClinVar's aggregate classification.

Genome Diagnostics Laboratory, University Medical Center Utrecht
Classification: Benign. Review status: no assertion criteria provided. Collection method: clinical testing. Allele origin: germline. Affected: yes. Study: VKGL Data-share Consensus. Not counted in ClinVar's aggregate classification.

Laboratory of Diagnostic Genome Analysis, Leiden University Medical Center (LUMC)
Classification: Likely benign. Review status: no assertion criteria provided. Collection method: clinical testing. Allele origin: germline. Affected: yes. Study: VKGL Data-share Consensus. Not counted in ClinVar's aggregate classification.